The following is an entry in ClinVar:

NM_015702.3(MMADHC):c.808T>C (p.Trp270Arg)

Gene: MMADHC (metabolism of cobalamin associated D; minus strand). Cytogenetic location: 2q23.2.
Variant type: single nucleotide variant.
Coding change: c.808T>C on transcript NM_015702.3 (MANE Select); coding-DNA position 808, T replaced by C.
Protein change: p.Trp270Arg; replaces tryptophan 270 with arginine.
Molecular consequence: missense variant.
Genome position (GRCh38, 1-based): chr2:149,570,057, A>G on the plus strand (T>C on the coding strand, the complement: MMADHC is on the minus strand). VCF-style: chr2-149570057-A-G. GRCh37 (hg19) VCF-style: chr2-150426571-A-G.
Other names: short protein forms W270R.
Identifiers: ClinVar variation 1440250 (VCV001440250.5), dbSNP rs2105041421, ClinGen allele CA348869036.

ClinVar aggregate classification (germline): Uncertain significance (1 of 4 stars; one submission).

Conditions:
Methylmalonic aciduria and homocystinuria type cblD (MAHCD). Also called: Methylmalonic aciduria with homocystinuria cblD type; METHYLMALONIC ACIDEMIA, cblH TYPE. Identifiers: Orphanet 622, Orphanet 79283, MedGen C1848552, MONDO:0010185, OMIM 277410.

gnomAD v4.1: 4 of 1,613,794 alleles (0.00025%); no homozygotes.

Submission:

Labcorp Genetics (formerly Invitae), Labcorp
Classification: Uncertain significance for Methylmalonic aciduria and homocystinuria type cblD. Last evaluated: 2021-08-24. Review status: criteria provided, single submitter. Criteria: Invitae Variant Classification Sherloc (09022015). Collection method: clinical testing. Allele origin: germline.
Comment: This sequence change replaces tryptophan with arginine at codon 270 of the MMADHC protein (p.Trp270Arg). The tryptophan residue is highly conserved and there is a moderate physicochemical difference between tryptophan and arginine. This variant is not present in population databases (ExAC no frequency). This variant has not been reported in the literature in individuals affected with MMADHC-related conditions. Algorithms developed to predict the effect of missense changes on protein structure and function are either unavailable or do not agree on the potential impact of this missense change (SIFT: "Tolerated"; PolyPhen-2: "Possibly Damaging"; Align-GVGD: "Class C0"). In summary, the available evidence is currently insufficient to determine the role of this variant in disease. Therefore, it has been classified as a Variant of Uncertain Significance.